The following is an entry in ClinVar:

NM_134261.3(RORA):c.197-25014G>T

Genes: RORA (RAR related orphan receptor A; minus strand), RORA-AS1 (RORA antisense RNA 1; plus strand). Cytogenetic location: 15q22.2.
Variant type: single nucleotide variant.
Coding change: c.197-25014G>T on transcript NM_134261.3 (MANE Select); 25014 bases into the intron before coding-DNA position 197, G replaced by T.
Molecular consequence: intron variant. On other transcripts: nonsense (1).
Genome position (GRCh38, 1-based): chr15:60,556,865, C>A on the plus strand (G>T on the coding strand, the complement: RORA is on the minus strand). VCF-style: chr15-60556865-C-A. GRCh37 (hg19) VCF-style: chr15-60849064-C-A.
Other names: c.283G>T, p.Gly95Ter (NM_134260.3); c.272-25014G>T (NM_002943.4); c.32-25014G>T (NM_134262.3); short protein forms G95*.
Identifiers: ClinVar variation 4756020 (VCV004756020.1).

ClinVar aggregate classification (germline): Uncertain significance (1 of 4 stars; one submission).

Submission:

GeneDx
Classification: Uncertain significance. Last evaluated: 2025-08-07. Review status: criteria provided, single submitter. Criteria: GeneDx Variant Classification Process June 2021. Collection method: clinical testing. Allele origin: germline. Affected: yes.
Comment: Not observed at significant frequency in large population cohorts (gnomAD); Nonsense variant predicted to result in protein truncation or nonsense mediated decay in a gene or region of a gene for which loss of function is not a well-established mechanism of disease; Has not been previously published as pathogenic or benign to our knowledge; Reported using an alternate transcript of the gene